The following is an entry in ClinVar:

ClinVar aggregate classification (germline): Likely benign (0 of 4 stars; one submission).

Conditions:
DNAH10-related disorder. Also called: DNAH10-related condition.

Allele frequency attached by ClinVar (database versions not stated): TOPMed 0.00010; gnomAD 0.00011; 1000 Genomes Project 30x 0.00016; gnomAD exomes 0.00018; 1000 Genomes Project 0.00020; ExAC 0.00023; ESP Exome Variant Server 0.00033.

Submission:

PreventionGenetics, part of Exact Sciences
Classification: Likely benign for DNAH10-related condition. Last evaluated: 2019-08-13. Review status: no assertion criteria provided. Collection method: clinical testing. Allele origin: germline.
Comment: This variant is classified as likely benign based on ACMG/AMP sequence variant interpretation guidelines (Richards et al. 2015 PMID: 25741868, with internal and published modifications).

NM_001372106.1(DNAH10):c.9831C>T (p.Pro3277=)

Gene: DNAH10 (dynein axonemal heavy chain 10; plus strand). Cytogenetic location: 12q24.31.
Variant type: single nucleotide variant.
Coding change: c.9831C>T on transcript NM_001372106.1 (MANE Select); coding-DNA position 9831, C replaced by T.
Protein change: p.Pro3277=; no amino-acid change (proline 3277 retained).
Molecular consequence: synonymous variant.
Genome position (GRCh38, 1-based): chr12:123,909,276, C>T. VCF-style: chr12-123909276-C-T. GRCh37 (hg19) VCF-style: chr12-124393823-C-T.
Other names: c.9477C>T, p.Pro3159= (NM_001083900.1, NM_207437.3).
Identifiers: ClinVar variation 3052489 (VCV003052489.2), dbSNP rs199591266, ClinGen allele CA6865224.
Genomic context (GRCh38, chr12:123,909,276, plus strand): 5'-GCCACATCCCGGGGTTGTGACCCACGTGCCTTGGTTTCTTGCCAGGTCGTTTGCTAAGCC[C>T]CCGAAGCAGGTGCAGACGGTCTGCGAATGCATCCTCATCATGAAAGGGTACAAAGAGCTG-3'
Protein context (NP_001359035.1, residues 3267-3287): DVTEIRSFAK[Pro3277=]PKQVQTVCEC